The following is an entry in ClinVar:

NM_001292063.2(OTOG):c.94+74C>T

Gene: OTOG (otogelin; plus strand). Cytogenetic location: 11p15.1.
Variant type: single nucleotide variant.
Coding change: c.94+74C>T on transcript NM_001292063.2 (MANE Select); 74 bases into the intron after coding-DNA position 94, C replaced by T.
Molecular consequence: intron variant. On other transcripts: synonymous variant (1).
Genome position (GRCh38, 1-based): chr11:17,547,540, C>T. VCF-style: chr11-17547540-C-T. GRCh37 (hg19) VCF-style: chr11-17569087-C-T.
Other names: c.168C>T, p.Pro56= (NM_001277269.2).
Identifiers: ClinVar variation 3067645 (VCV003067645.23), dbSNP rs978749480, ClinGen allele CA218483619.

ClinVar aggregate classification (germline): Likely benign. Review status: criteria provided, multiple submitters, no conflicts (2 of 4 stars). 2 submissions from 2 submitters: Likely benign (2). Last evaluated 2024-08-05.

Allele frequency attached by ClinVar (database versions not stated): gnomAD 0.00001.
gnomAD v4.1: 18 of 1,274,352 alleles (0.0014%); highest among the groups gnomAD compares: Non-Finnish European, 0.0016%; no homozygotes.

Submissions (2):

Labcorp Genetics (formerly Invitae), Labcorp
Classification: Likely benign. Last evaluated: 2024-08-05. Review status: criteria provided, single submitter. Criteria: Invitae Variant Classification Sherloc (09022015). Collection method: clinical testing. Allele origin: germline.

CeGaT Center for Human Genetics Tuebingen
Classification: Likely benign. Last evaluated: 2024-03-01. Review status: criteria provided, single submitter. Criteria: CeGaT Center For Human Genetics Tuebingen Variant Classification Criteria Version 2. Collection method: clinical testing. Allele origin: germline. Affected: yes. Observed: 1 variant allele.
Comment: OTOG: BP4, BP7